The following is an entry in ClinVar:

ClinVar aggregate classification (germline): Uncertain significance. Review status: criteria provided, multiple submitters, no conflicts (2 of 4 stars). 5 submissions from 5 submitters: Uncertain significance (5). Last evaluated 2025-11-25.

Conditions:
Aortic aneurysm, familial thoracic 4 (AAT4). Also called: AORTIC ANEURYSM/AORTIC DISSECTION AND PATENT DUCTUS ARTERIOSUS. Identifiers: MedGen C1851504, MONDO:0007568, OMIM 132900.
Visceral myopathy 2. Identifiers: MedGen C5543466, MONDO:0859157, OMIM 619350.
Megacystis-microcolon-intestinal hypoperistalsis syndrome 2. Identifiers: MedGen C5543476, MONDO:0025708, OMIM 619351.
Familial thoracic aortic aneurysm and aortic dissection (TAAD). Also called: Thoracic aortic aneurysms and dissections. Identifiers: Orphanet 91387, MedGen C4707243, MONDO:0019625.

Allele frequency attached by ClinVar (database versions not stated): ExAC 0.00002; gnomAD 0.00002 and 0.00003; gnomAD exomes 0.00003; TOPMed 0.00003; 1000 Genomes Project 30x 0.00016; 1000 Genomes Project 0.00020.
gnomAD v4.1: 19 of 1,613,838 alleles (0.0012%); highest among the groups gnomAD compares: East Asian, 0.036%; no homozygotes.

Submissions (5):

Labcorp Genetics (formerly Invitae), Labcorp
Classification: Uncertain significance for Aortic aneurysm, familial thoracic 4. Last evaluated: 2025-11-25. Review status: criteria provided, single submitter. Criteria: Invitae Variant Classification Sherloc (09022015). Collection method: clinical testing. Allele origin: germline.
Comment: This sequence change replaces lysine, which is basic and polar, with glutamic acid, which is acidic and polar, at codon 1580 of the MYH11 protein (p.Lys1580Glu). This variant is present in population databases (rs151101824, gnomAD 0.04%). This missense change has been observed in individual(s) with clinical features of MYH11-related conditions (PMID: 28469501, 38958168). ClinVar contains an entry for this variant (Variation ID: 201078). Invitae Evidence Modeling of protein sequence and biophysical properties (such as structural, functional, and spatial information, amino acid conservation, physicochemical variation, residue mobility, and thermodynamic stability) indicates that this missense variant is not expected to disrupt MYH11 protein function with a negative predictive value of 95%. In summary, the available evidence is currently insufficient to determine the role of this variant in disease. Therefore, it has been classified as a Variant of Uncertain Significance.

All of Us Research Program, National Institutes of Health
Classification: Uncertain significance for Familial thoracic aortic aneurysm and aortic dissection. Last evaluated: 2023-12-13. Review status: criteria provided, single submitter. Criteria: ACMG Guidelines, 2015. Collection method: clinical testing. Allele origin: germline. Inheritance: Autosomal dominant inheritance. Observed: 3 variant alleles, 3 heterozygotes.
Comment: This missense variant replaces lysine with glutamic acid at codon 1580 of the MYH11 protein. Computational prediction suggests that this variant may have deleterious impact on protein structure and function (internally defined REVEL score threshold >= 0.7, PMID: 27666373). Splice site prediction tools suggest that this variant may not impact RNA splicing. To our knowledge, functional studies have not been performed for this variant. This variant has been reported in an individual affected with sudden unexpected death (PMID: 28469501). This variant has been identified in 9/282854 chromosomes in the general population by the Genome Aggregation Database (gnomAD). The available evidence is insufficient to determine the role of this variant in disease conclusively. Therefore, this variant is classified as a Variant of Uncertain Significance.

This study involves interpretation of variants in research participants for the purpose of population health screening. Participant phenotype was not available at the time of variant classification. Additional details can be found in publication PMID: 35346344, PMCID: PMC8962531

Color Diagnostics, LLC DBA Color Health
Classification: Uncertain significance for Familial thoracic aortic aneurysm and aortic dissection. Last evaluated: 2023-01-26. Review status: criteria provided, single submitter. Criteria: ACMG Guidelines, 2015. Collection method: clinical testing. Allele origin: germline.
Comment: This missense variant replaces lysine with glutamic acid at codon 1580 of the MYH11 protein. Computational prediction suggests that this variant may have deleterious impact on protein structure and function (internally defined REVEL score threshold >= 0.7, PMID: 27666373). To our knowledge, functional studies have not been reported for this variant. This variant has been reported in an individual affected with sudden unexpected death (PMID: 28469501). This variant has been identified in 9/282854 chromosomes in the general population by the Genome Aggregation Database (gnomAD). The available evidence is insufficient to determine the role of this variant in disease conclusively. Therefore, this variant is classified as a Variant of Uncertain Significance.

Fulgent Genetics
Classification: Uncertain significance for Aortic aneurysm, familial thoracic 4; Visceral myopathy 2; Megacystis-microcolon-intestinal hypoperistalsis syndrome 2. Last evaluated: 2021-11-05. Review status: criteria provided, single submitter. Criteria: ACMG Guidelines, 2015. Collection method: clinical testing. Allele origin: unknown.

GeneDx
Classification: Uncertain significance. Last evaluated: 2017-06-14. Review status: criteria provided, single submitter. Criteria: GeneDx Variant Classification (06012015). Collection method: clinical testing. Allele origin: germline. Affected: yes.
Comment: A variant of uncertain significance has been identified in the MYH11 gene. The K1573E variant has been reported in one patient with sudden unexplained death who also harbored other potentially disease-causing variants (Hata et al., 2017). This variant is not observed at a significant frequency in large population cohorts (Lek et al., 2016; 1000 Genomes Consortium et al., 2015; Exome Variant Server). The K1573E variant is a non-conservative amino acid substitution, which is likely to impact secondary protein structure as these residues differ in polarity, charge, size and/or other properties. This substitution occurs at a position that is conserved across species. In silico analysis predicts this variant is probably damaging to the protein structure/function. However, this variant lacks observation in a significant number of affected individuals, segregation data, and functional evidence, which would further clarify its pathogenicity.

Literature cited by the submitters: PubMed 28469501 (cited by 3 submitters); PubMed 38958168 (cited by Labcorp Genetics (formerly Invitae), Labcorp).

NM_002474.3(MYH11):c.4717A>G (p.Lys1573Glu)

Genes: MYH11 (myosin heavy chain 11; minus strand), NDE1 (nudE neurodevelopment protein 1; plus strand). Cytogenetic location: 16p13.11.
Variant type: single nucleotide variant.
Coding change: c.4717A>G on transcript NM_002474.3 (MANE Select); coding-DNA position 4717, A replaced by G.
Protein change: p.Lys1573Glu; replaces lysine 1573 with glutamic acid.
Molecular consequence: missense variant. On other transcripts: intron variant (2).
Genome position (GRCh38, 1-based): chr16:15,720,913, T>C on the plus strand (A>G on the coding strand, the complement: MYH11 is on the minus strand). VCF-style: chr16-15720913-T-C. GRCh37 (hg19) VCF-style: chr16-15814770-T-C.
Other names: p.K1573E:AAG>GAG; c.4738A>G, p.Lys1580Glu (NM_001040113.2, NM_001040114.2); c.4717A>G, p.Lys1573Glu (NM_022844.3); c.948-3278T>C (NM_001143979.2, NM_017668.3); short protein forms K1573E, K1580E.
Identifiers: ClinVar variation 201078 (VCV000201078.10), dbSNP rs151101824, ClinGen allele CA306577.
Genomic context (GRCh38, chr16:15,720,913, plus strand): 5'-GCCTCCTCTTCTCCTCATTCTGCTCGTCCCGGGCTTGGAGATCCCTTTCGAACTGGCCCT[T>C]GAGCGCCTGCATGTTGACTTCCAGCCGCAGTTTGGCGTCCTCCGTGGCTTGCAGCTCGTC-3'
Protein context (NP_002465.1, residues 1563-1583): LRLEVNMQAL[Lys1573Glu]GQFERDLQAR